The following is an entry in ClinVar:

ClinVar aggregate classification (germline): Uncertain significance (1 of 4 stars; one submission).

Submission:

Labcorp Genetics (formerly Invitae), Labcorp
Classification: Uncertain significance. Last evaluated: 2024-01-18. Review status: criteria provided, single submitter. Criteria: Invitae Variant Classification Sherloc (09022015). Collection method: clinical testing. Allele origin: germline.
Comment: This sequence change replaces glycine, which is neutral and non-polar, with arginine, which is basic and polar, at codon 731 of the COL4A4 protein (p.Gly731Arg). This variant is not present in population databases (gnomAD no frequency). This variant has not been reported in the literature in individuals affected with COL4A4-related conditions. Advanced modeling of protein sequence and biophysical properties (such as structural, functional, and spatial information, amino acid conservation, physicochemical variation, residue mobility, and thermodynamic stability) performed at Invitae indicates that this missense variant is expected to disrupt COL4A4 protein function with a positive predictive value of 95%. In summary, the available evidence is currently insufficient to determine the role of this variant in disease. Therefore, it has been classified as a Variant of Uncertain Significance.

NM_000092.5(COL4A4):c.2191G>C (p.Gly731Arg)

Gene: COL4A4 (collagen type IV alpha 4 chain; minus strand). Cytogenetic location: 2q36.3.
Variant type: single nucleotide variant.
Coding change: c.2191G>C on transcript NM_000092.5 (MANE Select); coding-DNA position 2191, G replaced by C.
Protein change: p.Gly731Arg; replaces glycine 731 with arginine.
Molecular consequence: missense variant.
Genome position (GRCh38, 1-based): chr2:227,059,597, C>G on the plus strand (G>C on the coding strand, the complement: COL4A4 is on the minus strand). VCF-style: chr2-227059597-C-G. GRCh37 (hg19) VCF-style: chr2-227924313-C-G.
Other names: short protein forms G731R.
Identifiers: ClinVar variation 2709978 (VCV002709978.3), dbSNP rs2474225364, ClinGen allele CA350842189.